The following is an entry in ClinVar:

NM_000071.3(CBS):c.1039+1G>T

Gene: CBS (cystathionine beta-synthase; minus strand). Cytogenetic location: 21q22.3.
Variant type: single nucleotide variant.
Coding change: c.1039+1G>T on transcript NM_000071.3 (MANE Select); the canonical splice donor site of the intron after coding-DNA position 1039, G replaced by T.
Molecular consequence: splice donor variant.
Genome position (GRCh38, 1-based): chr21:43,062,310, C>A on the plus strand (G>T on the coding strand, the complement: CBS is on the minus strand). VCF-style: chr21-43062310-C-A. GRCh37 (hg19) VCF-style: chr21-44482420-C-A.
Other names: c.1039+1G>T (NM_001320298.2, NM_001178009.3, NM_001178008.3); c.724+1G>T (NM_001321072.1).
Identifiers: ClinVar variation 1339663 (VCV001339663.1), dbSNP rs2146362992, ClinGen allele CA410599729.

ClinVar aggregate classification (germline): Pathogenic (1 of 4 stars; one submission).

Conditions:
Homocystinuria. Identifiers: MedGen C0019880, MONDO:0004737, HP:0002156.

Submission:

Women's Health and Genetics/Laboratory Corporation of America, LabCorp
Classification: Pathogenic for Homocystinuria. Last evaluated: 2022-01-09. Review status: criteria provided, single submitter. Criteria: LabCorp Variant Classification Summary - May 2015. Collection method: clinical testing. Allele origin: germline.
Comment: Variant summary: CBS c.1039+1G>T is located in a canonical splice-site and is predicted to affect mRNA splicing resulting in a significantly altered protein due to either exon skipping, shortening, or inclusion of intronic material. Several computational tools predict a significant impact on normal splicing: Four predict the variant abolishes the canonical 5' splicing donor site. However, these predictions have yet to be confirmed by functional studies. The variant was absent in 248910 control chromosomes. c.1039+1G>T has been reported in the literature in individuals affected with Homocystinuria/CBS deficiency (example, Orendae_2004, Utyro_2020). At least one publication reports experimental evidence evaluating an impact on protein function. The most pronounced variant effect results in <3% of normal CBS enzyme activity (example, Orendae_2004). No clinical diagnostic laboratories have submitted clinical-significance assessments for this variant to ClinVar after 2014. Based on the evidence outlined above, the variant was classified as pathogenic.

Literature cited by the submitters: PubMed 15146473; PubMed 32768567.